The following is an entry in ClinVar:

ClinVar aggregate classification (germline): Uncertain significance (1 of 4 stars; one submission).

Conditions:
Oligodontia-cancer predisposition syndrome. Also called: TOOTH AGENESIS-COLORECTAL CANCER SYNDROME. Identifiers: Orphanet 300576, MedGen C1837750, MONDO:0012075, OMIM 608615. Disease mechanism: loss of function.

gnomAD v4.1: 2 of 1,613,608 alleles (0.00012%); highest among the groups gnomAD compares: Non-Finnish European, 0.00017%; no homozygotes.

Submission:

Labcorp Genetics (formerly Invitae), Labcorp
Classification: Uncertain significance for Oligodontia-cancer predisposition syndrome. Last evaluated: 2024-05-29. Review status: criteria provided, single submitter. Criteria: Invitae Variant Classification Sherloc (09022015). Collection method: clinical testing. Allele origin: germline.
Comment: This sequence change replaces serine, which is neutral and polar, with tryptophan, which is neutral and slightly polar, at codon 616 of the AXIN2 protein (p.Ser616Trp). This variant is not present in population databases (gnomAD no frequency). This variant has not been reported in the literature in individuals affected with AXIN2-related conditions. Advanced modeling of protein sequence and biophysical properties (such as structural, functional, and spatial information, amino acid conservation, physicochemical variation, residue mobility, and thermodynamic stability) has been performed at Invitae for this missense variant, however the output from this modeling did not meet the statistical confidence thresholds required to predict the impact of this variant on AXIN2 protein function. In summary, the available evidence is currently insufficient to determine the role of this variant in disease. Therefore, it has been classified as a Variant of Uncertain Significance.

NM_004655.4(AXIN2):c.1847C>G (p.Ser616Trp)

Gene: AXIN2 (axin 2; minus strand). Cytogenetic location: 17q24.1.
Variant type: single nucleotide variant.
Coding change: c.1847C>G on transcript NM_004655.4 (MANE Select); coding-DNA position 1847, C replaced by G.
Protein change: p.Ser616Trp; replaces serine 616 with tryptophan.
Molecular consequence: missense variant. On other transcripts: intron variant (1).
Genome position (GRCh38, 1-based): chr17:65,536,929, G>C on the plus strand (C>G on the coding strand, the complement: AXIN2 is on the minus strand). VCF-style: chr17-65536929-G-C. GRCh37 (hg19) VCF-style: chr17-63533047-G-C.
Other names: c.1713-376C>G (NM_001363813.1); short protein forms S616W.
Identifiers: ClinVar variation 3017298 (VCV003017298.3), dbSNP rs1555577386, ClinGen allele CA400676505.